The following is an entry in ClinVar:

ClinVar aggregate classification (germline): Uncertain significance (1 of 4 stars; one submission).

Submission:

Labcorp Genetics (formerly Invitae), Labcorp
Classification: Uncertain significance. Last evaluated: 2024-10-24. Review status: criteria provided, single submitter. Criteria: Invitae Variant Classification Sherloc (09022015). Collection method: clinical testing. Allele origin: germline.
Comment: This sequence change replaces cysteine, which is neutral and slightly polar, with arginine, which is basic and polar, at codon 189 of the GATA5 protein (p.Cys189Arg). This variant is not present in population databases (gnomAD no frequency). This variant has not been reported in the literature in individuals affected with GATA5-related conditions. Invitae Evidence Modeling of protein sequence and biophysical properties (such as structural, functional, and spatial information, amino acid conservation, physicochemical variation, residue mobility, and thermodynamic stability) indicates that this missense variant is expected to disrupt GATA5 protein function with a positive predictive value of 80%. In summary, the available evidence is currently insufficient to determine the role of this variant in disease. Therefore, it has been classified as a Variant of Uncertain Significance.

NM_080473.5(GATA5):c.565T>C (p.Cys189Arg)

Gene: GATA5 (GATA binding protein 5; minus strand). Cytogenetic location: 20q13.33.
Variant type: single nucleotide variant.
Coding change: c.565T>C on transcript NM_080473.5 (MANE Select); coding-DNA position 565, T replaced by C.
Protein change: p.Cys189Arg; replaces cysteine 189 with arginine.
Molecular consequence: missense variant.
Genome position (GRCh38, 1-based): chr20:62,473,537, A>G on the plus strand (T>C on the coding strand, the complement: GATA5 is on the minus strand). VCF-style: chr20-62473537-A-G. GRCh37 (hg19) VCF-style: chr20-61048593-A-G.
Other names: short protein forms C189R.
Identifiers: ClinVar variation 3630398 (VCV003630398.2).